The following is an entry in ClinVar:

ClinVar aggregate classification (germline): Likely pathogenic (1 of 4 stars; one submission).

Conditions:
Neuromuscular disease caused by qualitative or quantitative defects of dystrophin. Also called: Qualitative or quantitative defects of dystrophin. Identifiers: Orphanet 207085, MedGen C5679787, MONDO:0016147.

Submission:

Women's Health and Genetics/Laboratory Corporation of America, LabCorp
Classification: Likely pathogenic for Neuromuscular disease caused by qualitative or quantitative defects of dystrophin. Last evaluated: 2023-11-08. Review status: criteria provided, single submitter. Criteria: LabCorp Variant Classification Summary - May 2015. Collection method: clinical testing. Allele origin: germline.
Comment: Variant summary: The variant involves the duplication of exon 43 in the DMD gene. A presumed nomenclature of c.(6117+1_6118-1)_(6290+1_6291-1)dup has been designated for the purposes of this classification. It is assumed to be a tandem duplication in direct orientation (Richardson_GIM_2018, Newman_AJHG_2015). This Copy Number Variant (CNV) is expected to alter the reading frame and predicted to result in a truncation or absence of the encoded protein due to nonsense mediated decay (NMD). The variant was absent in 15814 control chromosomes. The available data on variant occurrences in the general population are insufficient to allow any conclusion about variant significance. c.(6117+1_6118-1)_(6290+1_6291-1)dup has been reported in the literature in at least one individual affected with Dystrophinopathies (Li_2015). To our knowledge, no experimental evidence demonstrating an impact on protein function has been reported. The following publication have been ascertained in the context of this evaluation (PMID: 25612904). No submitters have cited clinical-significance assessments for this variant to ClinVar after 2014. Based on the evidence outlined above, the variant was classified as likely pathogenic.

Literature cited by the submitters: PubMed 25612904.

NC_000023.10:g.(32235181_32305645)_(32305819_32328198)dup

Gene: DMD (dystrophin; minus strand). Cytogenetic location: Xp21.1.
Variant type: Duplication.
Identifiers: ClinVar variation 2682401 (VCV002682401.1).